The following is an entry in ClinVar:

NM_000245.4(MET):c.3413A>T (p.Asn1138Ile)

Gene: MET (MET proto-oncogene, receptor tyrosine kinase; plus strand). Cytogenetic location: 7q31.2.
Variant type: single nucleotide variant.
Coding change: c.3413A>T on transcript NM_000245.4 (MANE Select); coding-DNA position 3413, A replaced by T.
Protein change: p.Asn1138Ile; replaces asparagine 1138 with isoleucine.
Molecular consequence: missense variant.
Genome position (GRCh38, 1-based): chr7:116,778,848, A>T. VCF-style: chr7-116778848-A-T. GRCh37 (hg19) VCF-style: chr7-116418902-A-T.
Other names: c.3467A>T, p.Asn1156Ile (NM_001127500.3); c.2123A>T, p.Asn708Ile (NM_001324402.2); short protein forms N1138I, N708I, N1156I.
Identifiers: ClinVar variation 1437167 (VCV001437167.8), dbSNP rs2117046370, ClinGen allele CA368990105.

ClinVar aggregate classification (germline): Uncertain significance (1 of 4 stars; one submission).

Conditions:
Renal cell carcinoma. Identifiers: Orphanet 217071, MedGen C0007134, MeSH D002292, MONDO:0005086, HP:0005584.

Submission:

Labcorp Genetics (formerly Invitae), Labcorp
Classification: Uncertain significance for Renal cell carcinoma. Last evaluated: 2021-04-15. Review status: criteria provided, single submitter. Criteria: Invitae Variant Classification Sherloc (09022015). Collection method: clinical testing. Allele origin: germline.
Comment: This sequence change replaces asparagine with isoleucine at codon 1156 of the MET protein (p.Asn1156Ile). The asparagine residue is highly conserved and there is a large physicochemical difference between asparagine and isoleucine. In summary, the available evidence is currently insufficient to determine the role of this variant in disease. Therefore, it has been classified as a Variant of Uncertain Significance. Algorithms developed to predict the effect of missense changes on protein structure and function are either unavailable or do not agree on the potential impact of this missense change (SIFT: "Deleterious"; PolyPhen-2: "Probably Damaging"; Align-GVGD: "Class C15"). This variant has not been reported in the literature in individuals with MET-related conditions. This variant is not present in population databases (ExAC no frequency).